The following is an entry in ClinVar:

NM_001277115.2(DNAH11):c.11008C>A (p.Leu3670Met)

Gene: DNAH11 (dynein axonemal heavy chain 11; plus strand). Cytogenetic location: 7p15.3.
Variant type: single nucleotide variant.
Coding change: c.11008C>A on transcript NM_001277115.2 (MANE Select); coding-DNA position 11008, C replaced by A.
Protein change: p.Leu3670Met; replaces leucine 3670 with methionine.
Molecular consequence: missense variant.
Genome position (GRCh38, 1-based): chr7:21,852,578, C>A. VCF-style: chr7-21852578-C-A. GRCh37 (hg19) VCF-style: chr7-21892196-C-A.
Other names: short protein forms L3670M.
Identifiers: ClinVar variation 4775560 (VCV004775560.1).

ClinVar aggregate classification (germline): Uncertain significance (1 of 4 stars; one submission).

Conditions:
Primary ciliary dyskinesia. Also called: Ciliary dyskinesia. Identifiers: Orphanet 244, MedGen C0008780, MONDO:0016575, HP:0012265.

gnomAD v4.1: 2 of 1,609,964 alleles (0.00012%); highest among the groups gnomAD compares: Admixed American, 0.0034%; no homozygotes.

Submission:

Labcorp Genetics (formerly Invitae), Labcorp
Classification: Uncertain significance for Primary ciliary dyskinesia. Last evaluated: 2025-06-22. Review status: criteria provided, single submitter. Criteria: Invitae Variant Classification Sherloc (09022015). Collection method: clinical testing. Allele origin: germline.
Comment: This sequence change replaces leucine, which is neutral and non-polar, with methionine, which is neutral and non-polar, at codon 3670 of the DNAH11 protein (p.Leu3670Met). This variant is present in population databases (no rsID available, gnomAD 0.006%). This variant has not been reported in the literature in individuals affected with DNAH11-related conditions. Invitae Evidence Modeling of protein sequence and biophysical properties (such as structural, functional, and spatial information, amino acid conservation, physicochemical variation, residue mobility, and thermodynamic stability) indicates that this missense variant is not expected to disrupt DNAH11 protein function with a negative predictive value of 80%. In summary, the available evidence is currently insufficient to determine the role of this variant in disease. Therefore, it has been classified as a Variant of Uncertain Significance.